The following is an entry in ClinVar:

ClinVar aggregate classification (germline): Likely benign. Review status: criteria provided, multiple submitters, no conflicts (2 of 4 stars). 3 submissions from 3 submitters: Likely benign (3). Last evaluated 2025-09-16.

Conditions:
Primary dilated cardiomyopathy (DCM). Also called: Dilated Cardiomyopathy. Identifiers: Orphanet 217604, MedGen C0007193, MeSH D002311, MONDO:0005021, HP:0001644. Inheritance: Various modes of inheritance.
Cardiovascular phenotype. Identifiers: MedGen CN230736.

Allele frequency attached by ClinVar (database versions not stated): gnomAD 0.00001; TOPMed 0.00004; gnomAD exomes 0.00005.

Submissions (3):

Labcorp Genetics (formerly Invitae), Labcorp
Classification: Likely benign for Primary dilated cardiomyopathy. Last evaluated: 2025-09-16. Review status: criteria provided, single submitter. Criteria: Invitae Variant Classification Sherloc (09022015). Collection method: clinical testing. Allele origin: germline.

CeGaT Center for Human Genetics Tuebingen
Classification: Likely benign. Last evaluated: 2024-12-01. Review status: criteria provided, single submitter. Criteria: CeGaT Center For Human Genetics Tuebingen Variant Classification Criteria Version 2. Collection method: clinical testing. Allele origin: germline. Affected: yes. Observed: 1 variant allele.
Comment: TXNRD2: BP4, BP7

Ambry Genetics
Classification: Likely benign for Cardiovascular phenotype. Last evaluated: 2022-05-17. Review status: criteria provided, single submitter. Criteria: Ambry Variant Classification Scheme 2023. Collection method: clinical testing. Allele origin: germline.

NM_006440.5(TXNRD2):c.198C>T (p.Ala66=)

Gene: TXNRD2 (thioredoxin reductase 2; minus strand). Cytogenetic location: 22q11.21.
Variant type: single nucleotide variant.
Coding change: c.198C>T on transcript NM_006440.5 (MANE Select); coding-DNA position 198, C replaced by T.
Protein change: p.Ala66=; no amino-acid change (alanine 66 retained).
Molecular consequence: synonymous variant. On other transcripts: 5 prime UTR variant (1).
Genome position (GRCh38, 1-based): chr22:19,919,574, G>A on the plus strand (C>T on the coding strand, the complement: TXNRD2 is on the minus strand). VCF-style: chr22-19919574-G-A. GRCh37 (hg19) VCF-style: chr22-19907097-G-A.
Other names: c.198C>T, p.Ala66= (NM_001282512.3); c.195C>T, p.Ala65= (NM_001352300.2); c.108C>T, p.Ala36= (NM_001352301.2); c.-91C>T (NM_001352302.2); c.102C>T, p.Ala34= (NM_001352303.2).
Identifiers: ClinVar variation 1783935 (VCV001783935.18), dbSNP rs1009388190, ClinGen allele CA322105649.